The following is an entry in ClinVar:

NM_001291303.3(FAT4):c.5450A>G (p.Asp1817Gly)

Gene: FAT4 (FAT atypical cadherin 4; plus strand). Cytogenetic location: 4q28.1.
Variant type: single nucleotide variant.
Coding change: c.5450A>G on transcript NM_001291303.3 (MANE Select); coding-DNA position 5450, A replaced by G.
Protein change: p.Asp1817Gly; replaces aspartic acid 1817 with glycine.
Molecular consequence: missense variant.
Genome position (GRCh38, 1-based): chr4:125,407,022, A>G. VCF-style: chr4-125407022-A-G. GRCh37 (hg19) VCF-style: chr4-126328177-A-G.
Other names: c.5450A>G, p.Asp1817Gly (NM_001291285.3, NM_024582.6); short protein forms D1817G.
Identifiers: ClinVar variation 1962413 (VCV001962413.5), dbSNP rs759964132, ClinGen allele CA3072722.
Genomic context (GRCh38, chr4:125,407,022, plus strand): 5'-TAGCAACCAGGCGGTTGGACAGGGAACGCCGCTCCAAATATTCACTGCTAGTTCGTGCTG[A>G]TGATGGTCTTCAGTCCTCGGATATGAGAATTAATATCACTGTCAGTGATGTGAATGACCA-3'
Protein context (NP_001278232.1, residues 1807-1827): RSKYSLLVRA[Asp1817Gly]DGLQSSDMRI

ClinVar aggregate classification (germline): Uncertain significance (1 of 4 stars; one submission).

gnomAD v4.1: 25 of 1,613,876 alleles (0.0015%); highest among the groups gnomAD compares: Non-Finnish European, 0.0017%; no homozygotes.

Submission:

Labcorp Genetics (formerly Invitae), Labcorp
Classification: Uncertain significance. Last evaluated: 2022-07-15. Review status: criteria provided, single submitter. Criteria: Invitae Variant Classification Sherloc (09022015). Collection method: clinical testing. Allele origin: germline.
Comment: This sequence change replaces aspartic acid, which is acidic and polar, with glycine, which is neutral and non-polar, at codon 1817 of the FAT4 protein (p.Asp1817Gly). Advanced modeling of protein sequence and biophysical properties (such as structural, functional, and spatial information, amino acid conservation, physicochemical variation, residue mobility, and thermodynamic stability) performed at Invitae indicates that this missense variant is not expected to disrupt FAT4 protein function. This variant has not been reported in the literature in individuals affected with FAT4-related conditions. This variant is present in population databases (rs759964132, gnomAD 0.005%). In summary, the available evidence is currently insufficient to determine the role of this variant in disease. Therefore, it has been classified as a Variant of Uncertain Significance.